The following is an entry in ClinVar:

ClinVar aggregate classification (germline): Conflicting classifications of pathogenicity. Review status: criteria provided, conflicting classifications (1 of 4 stars). 5 submissions from 5 submitters: Uncertain significance (1); Likely benign (3). 1 of the submissions does not count toward it. Last evaluated 2026-01-12.

Conditions:
KIF22-related disorder. Also called: KIF22-related condition.

Allele frequency attached by ClinVar (database versions not stated): TOPMed 0.00024; gnomAD exomes 0.00039 and 0.00061; 1000 Genomes Project 30x 0.00047; ESP Exome Variant Server 0.00054; 1000 Genomes Project 0.00060; ExAC 0.00062; gnomAD 0.00069 and 0.00071.
gnomAD v4.1: 662 of 1,613,988 alleles (0.041%); highest among the groups gnomAD compares: Non-Finnish European, 0.037%; no homozygotes.

Submissions (5):

Labcorp Genetics (formerly Invitae), Labcorp
Classification: Likely benign. Last evaluated: 2026-01-12. Review status: criteria provided, single submitter. Criteria: Invitae Variant Classification Sherloc (09022015). Collection method: clinical testing. Allele origin: germline.

Blueprint Genetics
Classification: Likely benign. Last evaluated: 2024-11-27. Review status: criteria provided, single submitter. Criteria: ACMG Guidelines, 2015. Collection method: clinical testing. Allele origin: germline.

CeGaT Center for Human Genetics Tuebingen
Classification: Likely benign. Last evaluated: 2023-08-01. Review status: criteria provided, single submitter. Criteria: CeGaT Center For Human Genetics Tuebingen Variant Classification Criteria Version 2. Collection method: clinical testing. Allele origin: germline. Affected: yes. Observed: 1 variant allele.
Comment: KIF22: BP4, BS1

Eurofins Ntd Llc (ga)
Classification: Uncertain significance. Last evaluated: 2017-04-24. Review status: criteria provided, single submitter. Criteria: EGL Classification Definitions 2015. Collection method: clinical testing. Allele origin: germline. Observed: 1 variant allele, 1 heterozygote.

PreventionGenetics, part of Exact Sciences
Classification: Likely benign for KIF22-related condition. Last evaluated: 2024-09-07. Review status: no assertion criteria provided. Collection method: clinical testing. Allele origin: germline. Not counted in ClinVar's aggregate classification.
Comment: This variant is classified as likely benign based on ACMG/AMP sequence variant interpretation guidelines (Richards et al. 2015 PMID: 25741868, with internal and published modifications).

NM_007317.3(KIF22):c.1048C>T (p.Arg350Cys)

Gene: KIF22 (kinesin family member 22; plus strand). Cytogenetic location: 16p11.2.
Variant type: single nucleotide variant.
Coding change: c.1048C>T on transcript NM_007317.3 (MANE Select); coding-DNA position 1048, C replaced by T.
Protein change: p.Arg350Cys; replaces arginine 350 with cysteine.
Molecular consequence: missense variant.
Genome position (GRCh38, 1-based): chr16:29,799,685, C>T. VCF-style: chr16-29799685-C-T. GRCh37 (hg19) VCF-style: chr16-29811006-C-T.
Other names: c.844C>T, p.Arg282Cys (NM_001256269.2, NM_001256270.1); short protein forms R350C, R282C.
Identifiers: ClinVar variation 501517 (VCV000501517.40), dbSNP rs149860938, ClinGen allele CA7993155.